The following is an entry in ClinVar:

NM_032119.4(ADGRV1):c.13193G>A (p.Gly4398Asp)

Gene: ADGRV1 (adhesion G protein-coupled receptor V1; plus strand). Cytogenetic location: 5q14.3.
Variant type: single nucleotide variant.
Coding change: c.13193G>A on transcript NM_032119.4 (MANE Select); coding-DNA position 13193, G replaced by A.
Protein change: p.Gly4398Asp; replaces glycine 4398 with aspartic acid.
Molecular consequence: missense variant. On other transcripts: non-coding transcript variant (1).
Genome position (GRCh38, 1-based): chr5:90,781,540, G>A. VCF-style: chr5-90781540-G-A. GRCh37 (hg19) VCF-style: chr5-90077357-G-A.
Other names: short protein forms G4398D.
Identifiers: ClinVar variation 1497104 (VCV001497104.6), dbSNP rs1260197238, ClinGen allele CA360392057.

ClinVar aggregate classification (germline): Uncertain significance (1 of 4 stars; one submission).

Allele frequency attached by ClinVar (database versions not stated): gnomAD exomes below 0.00001; gnomAD 0.00002; TOPMed 0.00002.
gnomAD v4.1: 6 of 1,610,578 alleles (0.00037%); highest among the groups gnomAD compares: Admixed American, 0.0033%; no homozygotes.

Submission:

Labcorp Genetics (formerly Invitae), Labcorp
Classification: Uncertain significance. Last evaluated: 2025-03-17. Review status: criteria provided, single submitter. Criteria: Invitae Variant Classification Sherloc (09022015). Collection method: clinical testing. Allele origin: germline.
Comment: This sequence change replaces glycine, which is neutral and non-polar, with aspartic acid, which is acidic and polar, at codon 4398 of the ADGRV1 protein (p.Gly4398Asp). The frequency data for this variant in the population databases is considered unreliable, as metrics indicate poor data quality at this position in the gnomAD database. This variant has not been reported in the literature in individuals affected with ADGRV1-related conditions. ClinVar contains an entry for this variant (Variation ID: 1497104). Invitae Evidence Modeling of protein sequence and biophysical properties (such as structural, functional, and spatial information, amino acid conservation, physicochemical variation, residue mobility, and thermodynamic stability) has been performed for this missense variant. However, the output from this modeling did not meet the statistical confidence thresholds required to predict the impact of this variant on ADGRV1 protein function. In summary, the available evidence is currently insufficient to determine the role of this variant in disease. Therefore, it has been classified as a Variant of Uncertain Significance.